The following is an entry in ClinVar:

NM_000257.4(MYH7):c.895G>A (p.Asp299Asn)

Gene: MYH7 (myosin heavy chain 7; minus strand). Cytogenetic location: 14q11.2.
Variant type: single nucleotide variant.
Coding change: c.895G>A on transcript NM_000257.4 (MANE Select); coding-DNA position 895, G replaced by A.
Protein change: p.Asp299Asn; replaces aspartic acid 299 with asparagine.
Molecular consequence: missense variant.
Genome position (GRCh38, 1-based): chr14:23,430,901, C>T on the plus strand (G>A on the coding strand, the complement: MYH7 is on the minus strand). VCF-style: chr14-23430901-C-T. GRCh37 (hg19) VCF-style: chr14-23900110-C-T.
Other names: c.895G>A (NM_000257.2); short protein forms D299N.
Identifiers: ClinVar variation 407188 (VCV000407188.10), dbSNP rs1060501444, ClinGen allele CA16614097.

ClinVar aggregate classification (germline): Uncertain significance. Review status: criteria provided, multiple submitters, no conflicts (2 of 4 stars). 2 submissions from 2 submitters: Uncertain significance (2). Last evaluated 2025-08-30.

Conditions:
Hypertrophic cardiomyopathy. Also called: HYPERTROPHIC MYOCARDIOPATHY. Identifiers: Orphanet 217569, MedGen C0007194, MeSH D002312, MONDO:0005045, HP:0001639.

Allele frequency attached by ClinVar (database versions not stated): gnomAD exomes below 0.00001.
gnomAD v4.1: 1 of 1,610,904 alleles (0.000062%); highest among the groups gnomAD compares: East Asian, 0.0022%; no homozygotes.

Submissions (2):

Labcorp Genetics (formerly Invitae), Labcorp
Classification: Uncertain significance for Hypertrophic cardiomyopathy. Last evaluated: 2025-08-30. Review status: criteria provided, single submitter. Criteria: Invitae Variant Classification Sherloc (09022015). Collection method: clinical testing. Allele origin: germline.
Comment: This sequence change replaces aspartic acid, which is acidic and polar, with asparagine, which is neutral and polar, at codon 299 of the MYH7 protein (p.Asp299Asn). This variant also falls at the last nucleotide of exon 10, which is part of the consensus splice site for this exon. This variant is not present in population databases (gnomAD no frequency). This variant has not been reported in the literature in individuals affected with MYH7-related conditions. ClinVar contains an entry for this variant (Variation ID: 407188). An algorithm developed to predict the effect of missense changes on protein structure and function (PolyPhen-2) suggests that this variant is likely to be tolerated. Variants that disrupt the consensus splice site are a relatively common cause of aberrant splicing (PMID: 17576681, 9536098). Algorithms developed to predict the effect of sequence changes on RNA splicing suggest that this variant may disrupt the consensus splice site. In summary, the available evidence is currently insufficient to determine the role of this variant in disease. Therefore, it has been classified as a Variant of Uncertain Significance.

GeneDx
Classification: Uncertain significance. Last evaluated: 2025-04-24. Review status: criteria provided, single submitter. Criteria: GeneDx Variant Classification Process June 2021. Collection method: clinical testing. Allele origin: germline. Affected: yes.
Comment: Not observed at significant frequency in large population cohorts (gnomAD); In silico analysis supports that this missense variant has a deleterious effect on protein structure/function; Has not been previously published as pathogenic or benign to our knowledge; This variant is associated with the following publications: (PMID: 27532257, 29300372)

Literature cited by the submitters: PubMed 17576681 (cited by Labcorp Genetics (formerly Invitae), Labcorp); PubMed 9536098 (cited by Labcorp Genetics (formerly Invitae), Labcorp).